The following is an entry in ClinVar:

ClinVar aggregate classification (germline): Uncertain significance (1 of 4 stars; one submission).

Conditions:
Hereditary insensitivity to pain with anhidrosis (CIPA). Also called: HSAN Type IV; NTRK1 Congenital Insensitivity to Pain with Anhidrosis; FAMILIAL DYSAUTONOMIA, TYPE II; hereditary sensory and autonomic neuropathy type 4; INSENSITIVITY TO PAIN, CONGENITAL, WITH ANHIDROSIS; NEUROPATHY, CONGENITAL SENSORY, WITH ANHIDROSIS. Identifiers: Orphanet 642, MedGen C0020074, MONDO:0009746, OMIM 256800.

Allele frequency attached by ClinVar (database versions not stated): gnomAD exomes below 0.00001; TOPMed 0.00001.
gnomAD v4.1: 1 of 1,613,186 alleles (0.000062%); highest among the groups gnomAD compares: Non-Finnish European, 0.000085%; no homozygotes.

Submission:

Labcorp Genetics (formerly Invitae), Labcorp
Classification: Uncertain significance for Hereditary insensitivity to pain with anhidrosis. Last evaluated: 2019-03-26. Review status: criteria provided, single submitter. Criteria: Invitae Variant Classification Sherloc (09022015). Collection method: clinical testing. Allele origin: germline.
Comment: In summary, the available evidence is currently insufficient to determine the role of this variant in disease. Therefore, it has been classified as a Variant of Uncertain Significance. Algorithms developed to predict the effect of missense changes on protein structure and function are either unavailable or do not agree on the potential impact of this missense change (SIFT: "Deleterious"; PolyPhen-2: "Benign"; Align-GVGD: "Class C15"). This variant has not been reported in the literature in individuals with NTRK1-related conditions. This variant is not present in population databases (ExAC no frequency). This sequence change replaces valine with methionine at codon 657 of the NTRK1 protein (p.Val657Met). The valine residue is highly conserved and there is a small physicochemical difference between valine and methionine.

NM_002529.4(NTRK1):c.1987G>A (p.Val663Met)

Gene: NTRK1 (neurotrophic receptor tyrosine kinase 1; plus strand). Cytogenetic location: 1q23.1.
Variant type: single nucleotide variant.
Coding change: c.1987G>A on transcript NM_002529.4 (MANE Select); coding-DNA position 1987, G replaced by A.
Protein change: p.Val663Met; replaces valine 663 with methionine.
Molecular consequence: missense variant.
Genome position (GRCh38, 1-based): chr1:156,879,303, G>A. VCF-style: chr1-156879303-G-A. GRCh37 (hg19) VCF-style: chr1-156849095-G-A.
Other names: c.1879G>A, p.Val627Met (NM_001007792.1); c.1969G>A, p.Val657Met (NM_001012331.2); short protein forms V657M, V627M, V663M.
Identifiers: ClinVar variation 645267 (VCV000645267.10), dbSNP rs1571702915, ClinGen allele CA342939972.